The following is an entry in ClinVar:

NM_001374828.1(ARID1B):c.5170C>T (p.Pro1724Ser)

Gene: ARID1B (AT-rich interaction domain 1B; plus strand). Cytogenetic location: 6q25.3.
Variant type: single nucleotide variant.
Coding change: c.5170C>T on transcript NM_001374828.1 (MANE Select); coding-DNA position 5170, C replaced by T.
Protein change: p.Pro1724Ser; replaces proline 1724 with serine.
Molecular consequence: missense variant.
Genome position (GRCh38, 1-based): chr6:157,201,395, C>T. VCF-style: chr6-157201395-C-T. GRCh37 (hg19) VCF-style: chr6-157522529-C-T.
Other names: c.2671C>T, p.Pro891Ser (NM_001363725.2); c.5050C>T, p.Pro1684Ser (NM_001371656.1, NM_001374820.1); c.5299C>T, p.Pro1767Ser (NM_001438482.1); c.5212C>T, p.Pro1738Ser (NM_001438483.1); c.5080C>T, p.Pro1694Ser (NM_001438485.1); c.5053C>T, p.Pro1685Ser (NM_001438486.1); c.4990C>T, p.Pro1664Ser (NM_001438487.1); c.2512C>T, p.Pro838Ser (NM_001438488.1); and 1 more; short protein forms P1664S, P1671S, P1684S, P1685S, P1694S, P1724S, P1738S, P1767S.
Identifiers: ClinVar variation 5020550 (VCV005020550.1).

ClinVar aggregate classification (germline): Uncertain significance (1 of 4 stars; one submission).

Submission:

Dasa
Classification: Uncertain significance. Last evaluated: 2026-05-18. Review status: criteria provided, single submitter. Criteria: DASA Assertion Criteria. Collection method: clinical testing. Allele origin: germline.
Comment: NM_001374828.1(ARID1B):c.5170C>T (p.Pro1724Ser) is a missense variant that results in the substitution of proline with serine. This variant is absent from population databases. Computational prediction algorithms are consistent with a benign effect. The currently available literature and clinical evidence are not sufficient to establish a definitive association between this variant and the reported condition. Therefore, this variant is classified as a variant of uncertain significance.